The following is an entry in ClinVar:

NM_000135.4(FANCA):c.752C>A (p.Ser251Ter)

Gene: FANCA (FA complementation group A; minus strand). Cytogenetic location: 16q24.3.
Variant type: single nucleotide variant.
Coding change: c.752C>A on transcript NM_000135.4 (MANE Select); coding-DNA position 752, C replaced by A.
Protein change: p.Ser251Ter; replaces serine 251 with a stop codon.
Molecular consequence: nonsense.
Genome position (GRCh38, 1-based): chr16:89,803,299, G>T on the plus strand (C>A on the coding strand, the complement: FANCA is on the minus strand). VCF-style: chr16-89803299-G-T. GRCh37 (hg19) VCF-style: chr16-89869707-G-T.
Other names: c.752C>A, p.Ser251Ter (NM_001018112.3, NM_001286167.3); c.656C>A, p.Ser219Ter (NM_001351830.2); short protein forms S219*, S251*.
Identifiers: ClinVar variation 5014970 (VCV005014970.1).

ClinVar aggregate classification (germline): Pathogenic (1 of 4 stars; one submission).

Conditions:
Fanconi anemia complementation group A (FANCA). Also called: Fanconi anemia, group A; FANCA-Related Fanconi Anemia. Identifiers: Orphanet 84, MedGen C3469521, MONDO:0009215, OMIM 227650.

Submission:

Myriad Genetics, Inc.
Classification: Pathogenic for Fanconi anemia complementation group A. Last evaluated: 2025-09-11. Review status: criteria provided, single submitter. Criteria: Myriad Autosomal Dominant, Autosomal Recessive and X-Linked Classification Criteria (2023). Collection method: clinical testing. Allele origin: unknown.
Comment: NM_000135.2(FANCA):c.752C>A(S251*) is expected to be pathogenic in the context of Fanconi anemia complementation group A. This variant is predicted to lead to an abnormal or absent protein product due to the creation of a premature termination codon in FANCA, a gene where loss-of-function variants are known to be pathogenic. Please note: this variant was assessed in the context of healthy population screening.